The following is an entry in ClinVar:

NM_144687.4(NLRP12):c.1575C>G (p.Tyr525Ter)

Gene: NLRP12 (NLR family pyrin domain containing 12; minus strand). Cytogenetic location: 19q13.42.
Variant type: single nucleotide variant.
Coding change: c.1575C>G on transcript NM_144687.4 (MANE Select); coding-DNA position 1575, C replaced by G.
Protein change: p.Tyr525Ter; replaces tyrosine 525 with a stop codon.
Molecular consequence: nonsense.
Genome position (GRCh38, 1-based): chr19:53,810,084, G>C on the plus strand (C>G on the coding strand, the complement: NLRP12 is on the minus strand). VCF-style: chr19-53810084-G-C. GRCh37 (hg19) VCF-style: chr19-54313338-G-C.
Other names: c.1575C>G, p.Tyr525Ter (NM_001277126.2, NM_001277129.1); short protein forms Y525*.
Identifiers: ClinVar variation 3678896 (VCV003678896.2).

ClinVar aggregate classification (germline): Uncertain significance (1 of 4 stars; one submission).

Conditions:
Familial cold autoinflammatory syndrome 2 (FCAS2). Identifiers: Orphanet 247868, MedGen C2673198, MONDO:0012724, OMIM 611762.

Submission:

Labcorp Genetics (formerly Invitae), Labcorp
Classification: Uncertain significance for Familial cold autoinflammatory syndrome 2. Last evaluated: 2024-10-20. Review status: criteria provided, single submitter. Criteria: Invitae Variant Classification Sherloc (09022015). Collection method: clinical testing. Allele origin: germline.
Comment: This sequence change creates a premature translational stop signal (p.Tyr525*) in the NLRP12 gene. It is expected to result in an absent or disrupted protein product. However, the current clinical and genetic evidence is not sufficient to establish whether loss-of-function variants in NLRP12 cause disease. This variant is not present in population databases (gnomAD no frequency). This variant has not been reported in the literature in individuals affected with NLRP12-related conditions. Algorithms developed to predict the effect of sequence changes on RNA splicing suggest that this variant may create or strengthen a splice site. In summary, the available evidence is currently insufficient to determine the role of this variant in disease. Therefore, it has been classified as a Variant of Uncertain Significance.